The following is an entry in ClinVar:

ClinVar aggregate classification (germline): Uncertain significance (0 of 4 stars; one submission).

Submission:

Department of Pathology and Laboratory Medicine, Sinai Health System
Classification: Uncertain significance. Review status: no assertion criteria provided. Collection method: clinical testing. Allele origin: unknown. Affected: yes. Study: The Canadian Open Genetics Repository (COGR).
Comment: The VPS13B p.Glu3110_Tyr3111ins11 variant was not identified in the literature nor was it identified in ClinVar, Cosmic or LOVD 3.0. The variant was identified in dbSNP (ID: rs757435621) but was not identified in the following control databases: the 1000 Genomes Project, the NHLBI GO Exome Sequencing Project, the Exome Aggregation Consortium (August 8th 2016), or the Genome Aggregation Database (Feb 27, 2017). This variant is an in-frame insertion resulting in the insertion of eleven phenylalanine (phe) residues at codon 3111; the impact of this alteration on VPS13B protein function is not known. The p.Glu3110_Tyr3111ins11 variant occurs in the first base of the exon. This position has been shown to be part of the splicing consensus sequence and variants involving this position sometimes affect splicing. In addition, 3 of 4 in silico or computational prediction software programs (SpliceSiteFinder, MaxEntScan, NNSPLICE, GeneSplicer) predict a greater than 10% difference in splicing. In summary, based on the above information the clinical significance of this variant cannot be determined with certainty at this time. This variant is classified as a variant of uncertain significance.

NM_152564.5(VPS13B):c.9331-1delinsTTTTTTTTTTTTTTTTTTTTTTTTTTTTTTTTT

Gene: VPS13B (vacuolar protein sorting 13 homolog B; plus strand). Cytogenetic location: 8q22.2.
Variant type: Indel.
Coding change: c.9331-1delinsTTTTTTTTTTTTTTTTTTTTTTTTTTTTTTTTT on transcript NM_152564.5 (MANE Select); the canonical splice acceptor site of the intron before coding-DNA position 9331, the reference bases replaced by an inserted sequence.
Molecular consequence: splice acceptor variant.
Genome position (GRCh38, 1-based): chr8:99,832,368, one base replaced. GRCh37 (hg19), VCF-style position (the base before the change): chr8:100,844,596.
Other names: c.9406-1delinsTTTTTTTTTTTTTTTTTTTTTTTTTTTTTTTTT (NM_017890.5).
Identifiers: ClinVar variation 1049454 (VCV001049454.1), dbSNP rs2130857700, ClinGen allele CA2499219499.